The following is an entry in ClinVar:

ClinVar aggregate classification (germline): Benign (1 of 4 stars; one submission).

Allele frequency attached by ClinVar (database versions not stated): gnomAD 0.38514 and 0.38922; 1000 Genomes Project 0.37360; 1000 Genomes Project 30x 0.37320; TOPMed 0.39548.
gnomAD v4.1: 58,781 of 151,950 alleles (39%); highest among the groups gnomAD compares: East Asian, 45%; 11,421 homozygotes.

Submissions (9):

GeneDx
Classification: Benign. Last evaluated: 2018-06-16. Review status: criteria provided, single submitter. Criteria: GeneDx Variant Classification (06012015). Collection method: clinical testing. Allele origin: germline. Affected: yes.
Comment: This variant is considered likely benign or benign based on one or more of the following criteria: it is a conservative change, it occurs at a poorly conserved position in the protein, it is predicted to be benign by multiple in silico algorithms, and/or has population frequency not consistent with disease.

Dr. Peter K. Rogan Lab, Western University
No classification provided (evidence only). Condition: Lung cancer. Review status: no classification provided. Collection method: in vitro. Allele origin: not applicable. Functional consequence: skipped exon. Not counted in ClinVar's aggregate classification.

Dr. Peter K. Rogan Lab, Western University
No classification provided (evidence only). Condition: Thymoma. Review status: no classification provided. Collection method: in vitro. Allele origin: not applicable. Functional consequence: retained intron. Not counted in ClinVar's aggregate classification.

Dr. Peter K. Rogan Lab, Western University
No classification provided (evidence only). Condition: Malignant tumor of esophagus. Review status: no classification provided. Collection method: in vitro. Allele origin: not applicable. Functional consequence: retained intron. Not counted in ClinVar's aggregate classification.

Dr. Peter K. Rogan Lab, Western University
No classification provided (evidence only). Condition: Malignant tumor of esophagus. Review status: no classification provided. Collection method: in vitro. Allele origin: not applicable. Functional consequence: retained intron. Not counted in ClinVar's aggregate classification.

Dr. Peter K. Rogan Lab, Western University
No classification provided (evidence only). Condition: Malignant tumor of esophagus. Review status: no classification provided. Collection method: in vitro. Allele origin: not applicable. Functional consequence: retained intron. Not counted in ClinVar's aggregate classification.

Dr. Peter K. Rogan Lab, Western University
No classification provided (evidence only). Condition: Malignant tumor of esophagus. Review status: no classification provided. Collection method: in vitro. Allele origin: not applicable. Functional consequence: retained intron. Not counted in ClinVar's aggregate classification.

Dr. Peter K. Rogan Lab, Western University
No classification provided (evidence only). Condition: Malignant tumor of esophagus. Review status: no classification provided. Collection method: in vitro. Allele origin: not applicable. Functional consequence: retained intron. Not counted in ClinVar's aggregate classification.

Dr. Peter K. Rogan Lab, Western University
No classification provided (evidence only). Condition: Malignant tumor of esophagus. Review status: no classification provided. Collection method: in vitro. Allele origin: not applicable. Functional consequence: skipped exon. Not counted in ClinVar's aggregate classification.

NM_005359.6(SMAD4):c.667+238C>A

Gene: SMAD4 (SMAD family member 4; plus strand). Cytogenetic location: 18q21.2.
Variant type: single nucleotide variant.
Coding change: c.667+238C>A on transcript NM_005359.6 (MANE Select); 238 bases into the intron after coding-DNA position 667, C replaced by A.
Molecular consequence: intron variant.
Genome position (GRCh38, 1-based): chr18:51,055,231, C>A. VCF-style: chr18-51055231-C-A. GRCh37 (hg19) VCF-style: chr18-48581601-C-A.
Other names: NC_000018.9:g.48581601C>A.
Identifiers: ClinVar variation 677079 (VCV000677079.2), dbSNP rs8096092, ClinGen allele CA15919111.